The following is an entry in ClinVar:

NM_004329.3(BMPR1A):c.1155T>A (p.Val385=)

Gene: BMPR1A (bone morphogenetic protein receptor type 1A; plus strand). Cytogenetic location: 10q23.2.
Variant type: single nucleotide variant.
Coding change: c.1155T>A on transcript NM_004329.3 (MANE Select); coding-DNA position 1155, T replaced by A.
Protein change: p.Val385=; no amino-acid change (valine 385 retained).
Molecular consequence: synonymous variant. On other transcripts: non-coding transcript variant (3).
Genome position (GRCh38, 1-based): chr10:86,919,458, T>A. VCF-style: chr10-86919458-T-A. GRCh37 (hg19) VCF-style: chr10-88679215-T-A.
Other names: c.1230T>A, p.Val410= (NM_001406559.1); c.1203T>A, p.Val401= (NM_001406560.1); c.1155T>A, p.Val385= (NM_001406561.1, NM_001406562.1, NM_001406563.1 and 19 more transcripts); c.1149T>A, p.Val383= (NM_001406583.1); c.1071T>A, p.Val357= (NM_001406584.1, NM_001406585.1, NM_001406586.1 and 2 more transcripts); c.813T>A, p.Val271= (NM_001406589.1).
Identifiers: ClinVar variation 2714619 (VCV002714619.4), dbSNP rs2539623858, ClinGen allele CA470308191.

ClinVar aggregate classification (germline): Benign/Likely benign. Review status: criteria provided, multiple submitters, no conflicts (2 of 4 stars). 2 submissions from 2 submitters: Benign (1); Likely benign (1). Last evaluated 2024-08-06.

Conditions:
Juvenile polyposis syndrome (JPS). Identifiers: Orphanet 2929, MedGen C0345893, MONDO:0017380, OMIM 174900.

Submissions (2):

Myriad Genetics, Inc.
Classification: Benign for Juvenile polyposis syndrome. Last evaluated: 2024-08-06. Review status: criteria provided, single submitter. Criteria: Myriad Autosomal Dominant, Autosomal Recessive and X-Linked Classification Criteria (2023). Collection method: clinical testing. Allele origin: unknown.
Comment: This variant is considered benign. This variant is a silent/synonymous amino acid change and it is not expected to impact splicing.

Labcorp Genetics (formerly Invitae), Labcorp
Classification: Likely benign for Juvenile polyposis syndrome. Last evaluated: 2024-02-01. Review status: criteria provided, single submitter. Criteria: Invitae Variant Classification Sherloc (09022015). Collection method: clinical testing. Allele origin: germline.